The following is an entry in ClinVar:

NM_000018.4(ACADVL):c.1222G>A (p.Ala408Thr)

Gene: ACADVL (acyl-CoA dehydrogenase very long chain; plus strand). Cytogenetic location: 17p13.1.
Variant type: single nucleotide variant.
Coding change: c.1222G>A on transcript NM_000018.4 (MANE Select); coding-DNA position 1222, G replaced by A.
Protein change: p.Ala408Thr; replaces alanine 408 with threonine.
Molecular consequence: missense variant.
Genome position (GRCh38, 1-based): chr17:7,223,683, G>A. VCF-style: chr17-7223683-G-A. GRCh37 (hg19) VCF-style: chr17-7127002-G-A.
Other names: c.1156G>A, p.Ala386Thr (NM_001033859.3); c.1291G>A, p.Ala431Thr (NM_001270447.2); c.994G>A, p.Ala332Thr (NM_001270448.2); short protein forms A332T, A386T, A408T, A431T.
Identifiers: ClinVar variation 932806 (VCV000932806.2), dbSNP rs2071338597, ClinGen allele CA397724630.

ClinVar aggregate classification (germline): Uncertain significance (1 of 4 stars; one submission).

Conditions:
Very long chain acyl-CoA dehydrogenase deficiency (ACADVLD). Also called: Very Long-Chain Acyl-Coenzyme A Dehydrogenase Deficiency; VLCAD Deficiency. Identifiers: Orphanet 26793, MedGen C3887523, MONDO:0008723, OMIM 201475.

Allele frequency attached by ClinVar (database versions not stated): gnomAD exomes below 0.00001.
gnomAD v4.1: 1 of 1,614,140 alleles (0.000062%); highest among the groups gnomAD compares: South Asian, 0.0011%; no homozygotes.

Submission:

Wong Mito Lab, Molecular and Human Genetics, Baylor College of Medicine
Classification: Uncertain significance for Very long chain acyl-CoA dehydrogenase deficiency. Last evaluated: 2019-11-01. Review status: criteria provided, single submitter. Criteria: ACMG Guidelines, 2015. Collection method: clinical testing. Allele origin: germline.
Comment: The NM_000018.3:c.1222G>A (NP_000009.1:p.Ala408Thr) [GRCH38: NC_000017.11:g.7223683G>A] variant in ACADVL gene is interpretated to be Uncertain Significance based on ACMG guidelines (PMID: 25741868). This variant has been reported.This variant dose not meet any evidence codes reported in the ACMG guidelines.